The following is an entry in ClinVar:

NM_004525.3(LRP2):c.6986T>C (p.Phe2329Ser)

Gene: LRP2 (LDL receptor related protein 2; minus strand). Cytogenetic location: 2q31.1.
Variant type: single nucleotide variant.
Coding change: c.6986T>C on transcript NM_004525.3 (MANE Select); coding-DNA position 6986, T replaced by C.
Protein change: p.Phe2329Ser; replaces phenylalanine 2329 with serine.
Molecular consequence: missense variant.
Genome position (GRCh38, 1-based): chr2:169,206,734, A>G on the plus strand (T>C on the coding strand, the complement: LRP2 is on the minus strand). VCF-style: chr2-169206734-A-G. GRCh37 (hg19) VCF-style: chr2-170063244-A-G.
Other names: short protein forms F2329S.
Identifiers: ClinVar variation 1954702 (VCV001954702.2), dbSNP rs780651375, ClinGen allele CA1954185.
Genomic context (GRCh38, chr2:169,206,734, plus strand): 5'-TTTTCCAAGCAAGGGTTGTTGTTGACCTCTGCTGGTGACCGGGGCTGGACTTGCTTGTCA[A>G]AGATGGTCACATCTCTTAGCCAGTTGATATTGTCTCTTATCACTGTGGGTGGCTCTGTGT-3'
Protein context (NP_004516.2, residues 2319-2339): NINWLRDVTI[Phe2329Ser]DKQVQPRSPA

ClinVar aggregate classification (germline): Uncertain significance (1 of 4 stars; one submission).

Allele frequency attached by ClinVar (database versions not stated): ExAC 0.00001; TOPMed 0.00001.
gnomAD v4.1: 13 of 1,614,148 alleles (0.00081%); highest among the groups gnomAD compares: Non-Finnish European, 0.0011%; no homozygotes.

Submission:

Labcorp Genetics (formerly Invitae), Labcorp
Classification: Uncertain significance. Last evaluated: 2022-04-23. Review status: criteria provided, single submitter. Criteria: Invitae Variant Classification Sherloc (09022015). Collection method: clinical testing. Allele origin: germline.
Comment: This sequence change replaces phenylalanine, which is neutral and non-polar, with serine, which is neutral and polar, at codon 2329 of the LRP2 protein (p.Phe2329Ser). This variant is present in population databases (rs780651375, gnomAD 0.0009%). This variant has not been reported in the literature in individuals affected with LRP2-related conditions. Advanced modeling of protein sequence and biophysical properties (such as structural, functional, and spatial information, amino acid conservation, physicochemical variation, residue mobility, and thermodynamic stability) performed at Invitae indicates that this missense variant is expected to disrupt LRP2 protein function. In summary, the available evidence is currently insufficient to determine the role of this variant in disease. Therefore, it has been classified as a Variant of Uncertain Significance.